The following is an entry in ClinVar:

NM_177924.5(ASAH1):c.456A>G (p.Lys152=)

Gene: ASAH1 (N-acylsphingosine amidohydrolase 1; minus strand). Cytogenetic location: 8p22.
Variant type: single nucleotide variant.
Coding change: c.456A>G on transcript NM_177924.5 (MANE Select); coding-DNA position 456, A replaced by G.
Protein change: p.Lys152=; no amino-acid change (lysine 152 retained).
Molecular consequence: synonymous variant.
Genome position (GRCh38, 1-based): chr8:18,064,458, T>C on the plus strand (A>G on the coding strand, the complement: ASAH1 is on the minus strand). VCF-style: chr8-18064458-T-C. GRCh37 (hg19) VCF-style: chr8-17921967-T-C.
Other names: c.438A>G, p.Lys146= (NM_001127505.3); c.261A>G, p.Lys87= (NM_001363743.2); c.504A>G, p.Lys168= (NM_004315.6).
Identifiers: ClinVar variation 1431125 (VCV001431125.8), dbSNP rs200455852, ClinGen allele CA173143505.

ClinVar aggregate classification (germline): Uncertain significance (1 of 4 stars; one submission).

gnomAD v4.1: 3 of 1,553,662 alleles (0.00019%); highest among the groups gnomAD compares: Non-Finnish European, 0.00027%; no homozygotes.

Submission:

Labcorp Genetics (formerly Invitae), Labcorp
Classification: Uncertain significance. Last evaluated: 2021-06-13. Review status: criteria provided, single submitter. Criteria: Invitae Variant Classification Sherloc (09022015). Collection method: clinical testing. Allele origin: germline.
Comment: In summary, the available evidence is currently insufficient to determine the role of this variant in disease. Therefore, it has been classified as a Variant of Uncertain Significance. This variant disrupts the c.456 nucleotide in the ASAH1 gene. Other variant(s) that disrupt this nucleotide have been determined to be pathogenic (PMID: 24164096, 26526000). This suggests that this nucleotide is clinically significant, and that variants that disrupt this position are likely to be disease-causing. Algorithms developed to predict the effect of sequence changes on RNA splicing suggest that this variant may disrupt the consensus splice site, but this prediction has not been confirmed by published transcriptional studies. This variant has not been reported in the literature in individuals with ASAH1-related conditions. This variant is not present in population databases (ExAC no frequency). This sequence change affects codon 152 of the ASAH1 mRNA. It is a 'silent' change, meaning that it does not change the encoded amino acid sequence of the ASAH1 protein. It affects a nucleotide within the consensus splice site of the intron.

Literature cited by the submitters: PubMed 24164096; PubMed 26526000.